The following is an entry in ClinVar:

NM_001288705.3(CSF1R):c.566T>A (p.Ile189Asn)

Gene: CSF1R (colony stimulating factor 1 receptor; minus strand). Cytogenetic location: 5q32.
Variant type: single nucleotide variant.
Coding change: c.566T>A on transcript NM_001288705.3 (MANE Select); coding-DNA position 566, T replaced by A.
Protein change: p.Ile189Asn; replaces isoleucine 189 with asparagine.
Molecular consequence: missense variant. On other transcripts: non-coding transcript variant (2).
Genome position (GRCh38, 1-based): chr5:150,080,078, A>T on the plus strand (T>A on the coding strand, the complement: CSF1R is on the minus strand). VCF-style: chr5-150080078-A-T. GRCh37 (hg19) VCF-style: chr5-149459641-A-T.
Other names: c.566T>A, p.Ile189Asn (NM_001349736.2, NM_001375320.1, NM_005211.4); c.122T>A, p.Ile41Asn (NM_001375321.1); short protein forms I189N, I41N.
Identifiers: ClinVar variation 4801561 (VCV004801561.1).

ClinVar aggregate classification (germline): Uncertain significance (1 of 4 stars; one submission).

Submission:

Labcorp Genetics (formerly Invitae), Labcorp
Classification: Uncertain significance. Last evaluated: 2025-09-24. Review status: criteria provided, single submitter. Criteria: Invitae Variant Classification Sherloc (09022015). Collection method: clinical testing. Allele origin: germline.
Comment: This sequence change replaces isoleucine, which is neutral and non-polar, with asparagine, which is neutral and polar, at codon 189 of the CSF1R protein (p.Ile189Asn). This variant is not present in population databases (gnomAD no frequency). This variant has not been reported in the literature in individuals affected with CSF1R-related conditions. Invitae Evidence Modeling of protein sequence and biophysical properties (such as structural, functional, and spatial information, amino acid conservation, physicochemical variation, residue mobility, and thermodynamic stability) indicates that this missense variant is not expected to disrupt CSF1R protein function with a negative predictive value of 95%. In summary, the available evidence is currently insufficient to determine the role of this variant in disease. Therefore, it has been classified as a Variant of Uncertain Significance.